The following is an entry in ClinVar:

NM_000443.4(ABCB4):c.2100C>G (p.Val700=)

Gene: ABCB4 (ATP binding cassette subfamily B member 4; minus strand). Cytogenetic location: 7q21.12.
Variant type: single nucleotide variant.
Coding change: c.2100C>G on transcript NM_000443.4 (MANE Select); coding-DNA position 2100, C replaced by G.
Protein change: p.Val700=; no amino-acid change (valine 700 retained).
Molecular consequence: synonymous variant.
Genome position (GRCh38, 1-based): chr7:87,424,017, G>C on the plus strand (C>G on the coding strand, the complement: ABCB4 is on the minus strand). VCF-style: chr7-87424017-G-C. GRCh37 (hg19) VCF-style: chr7-87053333-G-C.
Other names: c.2100C>G, p.Val700= (NM_018849.3, NM_018850.3); c.2100C>G (NM_000443.3).
Identifiers: ClinVar variation 2964355 (VCV002964355.6), dbSNP rs199934741, ClinGen allele CA4327117.

ClinVar aggregate classification (germline): Likely benign. Review status: criteria provided, single submitter (1 of 4 stars). 2 submissions from 2 submitters: Likely benign (1). 1 of the submissions does not count toward it. Last evaluated 2024-02-11.

Conditions:
ABCB4-related disorder. Also called: ABCB4-related disorders; ABCB4-related condition.

Allele frequency attached by ClinVar (database versions not stated): gnomAD exomes 0.00001; TOPMed 0.00001; gnomAD 0.00003; ExAC 0.00005; 1000 Genomes Project 30x 0.00016; 1000 Genomes Project 0.00020.
gnomAD v4.1: 17 of 1,614,020 alleles (0.0011%); highest among the groups gnomAD compares: East Asian, 0.036%; no homozygotes.

Submissions (3):

Labcorp Genetics (formerly Invitae), Labcorp
Classification: Likely benign. Last evaluated: 2024-02-11. Review status: criteria provided, single submitter. Criteria: Invitae Variant Classification Sherloc (09022015). Collection method: clinical testing. Allele origin: germline.

PreventionGenetics, part of Exact Sciences
Classification: Likely benign for ABCB4-related condition. Last evaluated: 2021-11-17. Review status: no assertion criteria provided. Collection method: clinical testing. Allele origin: germline. Not counted in ClinVar's aggregate classification.
Comment: This variant is classified as likely benign based on ACMG/AMP sequence variant interpretation guidelines (Richards et al. 2015 PMID: 25741868, with internal and published modifications).

Dr. Peter K. Rogan Lab, Western University
No classification provided (evidence only). Condition: Familial cancer of breast. Review status: no classification provided. Collection method: in vitro. Allele origin: not applicable. Functional consequence: retained intron. Not counted in ClinVar's aggregate classification.